The following is an entry in ClinVar:

ClinVar aggregate classification (germline): Uncertain significance. Review status: criteria provided, multiple submitters, no conflicts (2 of 4 stars). 2 submissions from 2 submitters: Uncertain significance (2). Last evaluated 2025-11-17.

Conditions:
Hereditary cancer-predisposing syndrome. Also called: Tumor predisposition; Neoplastic Syndromes, Hereditary; Hereditary Cancer Syndrome; Hereditary neoplastic syndrome. Identifiers: Orphanet 140162, MedGen C0027672, MeSH D009386, MONDO:0015356.
Chuvash polycythemia. Also called: POLYCYTHEMIA, VHL-DEPENDENT. Identifiers: Orphanet 238557, MedGen C1837915, MONDO:0009892, OMIM 263400.
Von Hippel-Lindau syndrome (VHLS). Also called: Von Hippel-Lindau; von Hippel–Lindau syndrome; VHL syndrome. Identifiers: Orphanet 892, MedGen C0019562, MONDO:0008667, OMIM 193300. Disease mechanism: loss of function.

Allele frequency attached by ClinVar (database versions not stated): gnomAD exomes below 0.00001; ExAC 0.00001.
gnomAD v4.1: 2 of 1,598,096 alleles (0.00013%); highest among the groups gnomAD compares: South Asian, 0.0011%; no homozygotes.

Submissions (2):

Labcorp Genetics (formerly Invitae), Labcorp
Classification: Uncertain significance for Von Hippel-Lindau syndrome; Chuvash polycythemia. Last evaluated: 2025-11-17. Review status: criteria provided, single submitter. Criteria: Invitae Variant Classification Sherloc (09022015). Collection method: clinical testing. Allele origin: germline.
Comment: This sequence change replaces threonine, which is neutral and polar, with methionine, which is neutral and non-polar, at codon 105 of the VHL protein (p.Thr105Met). The frequency data for this variant in the population databases is considered unreliable, as metrics indicate poor data quality at this position in the gnomAD database. This variant has not been reported in the literature in individuals affected with VHL-related conditions. ClinVar contains an entry for this variant (Variation ID: 1057750). Invitae Evidence Modeling of protein sequence and biophysical properties (such as structural, functional, and spatial information, amino acid conservation, physicochemical variation, residue mobility, and thermodynamic stability) indicates that this missense variant is expected to disrupt VHL protein function with a positive predictive value of 95%. In summary, the available evidence is currently insufficient to determine the role of this variant in disease. Therefore, it has been classified as a Variant of Uncertain Significance.

Ambry Genetics
Classification: Uncertain significance for Hereditary cancer-predisposing syndrome. Last evaluated: 2025-06-26. Review status: criteria provided, single submitter. Criteria: Ambry Variant Classification Scheme 2023. Collection method: clinical testing. Allele origin: germline.
Comment: The p.T105M variant (also known as c.314C>T), located in coding exon 1 of the VHL gene, results from a C to T substitution at nucleotide position 314. The threonine at codon 105 is replaced by methionine, an amino acid with similar properties. This variant was reported in an individual with bilateral pheochromocytomas (Ma X et al. Front Endocrinol (Lausanne), 2020 Dec;11:574662). This variant was determined to be functionally neutral in one saturation genome editing assay (Buckley M et al. Nat Genet, 2024 Jul;56:1446-1455). This amino acid position is well conserved in available vertebrate species. In addition, the in silico prediction for this alteration is inconclusive. Based on the available evidence, the clinical significance of this variant remains unclear.

Literature cited by the submitters: PubMed 33362715 (cited by Ambry Genetics); PubMed 38969834 (cited by Ambry Genetics).

NM_000551.4(VHL):c.314C>T (p.Thr105Met)

Gene: VHL (von Hippel-Lindau tumor suppressor; plus strand). Cytogenetic location: 3p25.3.
Variant type: single nucleotide variant.
Coding change: c.314C>T on transcript NM_000551.4 (MANE Select); coding-DNA position 314, C replaced by T.
Protein change: p.Thr105Met; replaces threonine 105 with methionine.
Molecular consequence: missense variant.
Genome position (GRCh38, 1-based): chr3:10,142,161, C>T. VCF-style: chr3-10142161-C-T. GRCh37 (hg19) VCF-style: chr3-10183845-C-T.
Other names: c.314C>T, p.Thr105Met (NM_001354723.2, NM_198156.3); c.314C>T (NM_000551.3); short protein forms T105M.
Identifiers: ClinVar variation 1057750 (VCV001057750.10), dbSNP rs761240835, ClinGen allele CA040253.